The following is an entry in ClinVar:

NM_001844.5(COL2A1):c.1303G>A (p.Gly435Arg)

Gene: COL2A1 (collagen type II alpha 1 chain; minus strand). Cytogenetic location: 12q13.11.
Variant type: single nucleotide variant.
Coding change: c.1303G>A on transcript NM_001844.5 (MANE Select); coding-DNA position 1303, G replaced by A.
Protein change: p.Gly435Arg; replaces glycine 435 with arginine.
Molecular consequence: missense variant.
Genome position (GRCh38, 1-based): chr12:47,987,140, C>T on the plus strand (G>A on the coding strand, the complement: COL2A1 is on the minus strand). VCF-style: chr12-47987140-C-T. GRCh37 (hg19) VCF-style: chr12-48380923-C-T.
Other names: c.1096G>A, p.Gly366Arg (NM_033150.3); short protein forms G366R, G435R.
Identifiers: ClinVar variation 4850915 (VCV004850915.1).

ClinVar aggregate classification (germline): Pathogenic (1 of 4 stars; one submission).

Conditions:
Achondrogenesis type II (ACG2). Also called: ACHONDROGENESIS, LANGER-SALDINO TYPE; CHONDROGENESIS IMPERFECTA. Identifiers: Orphanet 932, Orphanet 93296, MedGen C0220685, MONDO:0008702, OMIM 200610.

Submission:

Clinical Genetics and Genomics, Karolinska University Hospital
Classification: Pathogenic for Achondrogenesis type II. Last evaluated: 2026-04-07. Review status: criteria provided, single submitter. Criteria: ACMG Guidelines, 2015. Collection method: clinical testing. Allele origin: unknown. Affected: yes.
Comment: This variant disrupts the triple helix domain of COL2A1. Glycine residues within the Gly-Xaa-Yaa repeats of the triple helix domain are required for the structure and stability of fibrillar collagens (PMID: 7695699, 8218237, 19344236).